The following is an entry in ClinVar:

ClinVar aggregate classification (germline): Pathogenic (1 of 4 stars; one submission).

Conditions:
Congenital muscular hypertrophy-cerebral syndrome (CDLS2). Also called: Cornelia de Lange syndrome 2; SMC1A-Related Cornelia de Lange Syndrome. Identifiers: Orphanet 199, MedGen C1802395, MONDO:0010370, OMIM 300590.

Submission:

Labcorp Genetics (formerly Invitae), Labcorp
Classification: Pathogenic for Congenital muscular hypertrophy-cerebral syndrome. Last evaluated: 2022-02-03. Review status: criteria provided, single submitter. Criteria: Invitae Variant Classification Sherloc (09022015). Collection method: clinical testing. Allele origin: germline.
Comment: This variant is a gross deletion of the genomic region encompassing exon(s) 1 of the SMC1A gene, which includes the initiator codon. This deletion extends beyond the assayed region for this gene and therefore may encompass additional genes. It is expected to result in an absent or disrupted protein product. Loss-of-function variants in SMC1A are known to be pathogenic (PMID: 26386245, 27334371, 28166369, 28548707, 31334757). This variant has not been reported in the literature in individuals affected with SMC1A-related conditions. For these reasons, this variant has been classified as Pathogenic.

Literature cited by the submitters: PubMed 26386245; PubMed 27334371; PubMed 28166369; PubMed 28548707; PubMed 31334757.

NC_000023.10:g.(?_53449431)_(53449549_?)del

Gene: SMC1A (structural maintenance of chromosomes 1A; minus strand). Cytogenetic location: Xp11.22.
Variant type: Deletion.
Identifiers: ClinVar variation 1072544 (VCV001072544.5).